The following is an entry in ClinVar:

ClinVar aggregate classification (germline): Pathogenic. Review status: reviewed by expert panel (3 of 4 stars). 7 submissions from 7 submitters: Pathogenic (1). 6 of the submissions do not count toward it. Last evaluated 2016-10-18.

Conditions:
Hereditary cancer-predisposing syndrome. Also called: Tumor predisposition; Neoplastic Syndromes, Hereditary; Hereditary Cancer Syndrome; Hereditary neoplastic syndrome. Identifiers: Orphanet 140162, MedGen C0027672, MeSH D009386, MONDO:0015356.
Hereditary breast ovarian cancer syndrome. Also called: Hereditary breast and ovarian cancer syndrome (HBOC); Hereditary breast and ovarian cancer syndrome; Hereditary breast and ovarian cancer; Hereditary breast and/or ovarian cancer syndrome; Breast and ovarian cancer; BRCA1- and BRCA2-Associated Hereditary Breast and Ovarian Cancer. Identifiers: Orphanet 145, MedGen C0677776, MeSH D061325, MONDO:0003582. Disease mechanism: loss of function.
Breast-ovarian cancer, familial, susceptibility to, 1 (BROVCA1). Also called: OVARIAN CANCER, SUSCEPTIBILITY TO; BRCA1 Hereditary Breast and Ovarian Cancer. Identifiers: Orphanet 145, MedGen C2676676, MONDO:0011450, OMIM 604370. Disease mechanism: loss of function.

Submissions (7):

Evidence-based Network for the Interpretation of Germline Mutant Alleles (ENIGMA)
Classification: Pathogenic for Breast-ovarian cancer, familial, susceptibility to, 1. Last evaluated: 2016-10-18. Review status: reviewed by expert panel. Criteria: ENIGMA BRCA1/2 Classification Criteria (2015). Collection method: curation. Allele origin: germline.
Comment: Variant allele predicted to encode a truncated non-functional protein.

Labcorp Genetics (formerly Invitae), Labcorp
Classification: Pathogenic for Hereditary breast ovarian cancer syndrome. Last evaluated: 2026-01-30. Review status: criteria provided, single submitter. Criteria: Invitae Variant Classification Sherloc (09022015). Collection method: clinical testing. Allele origin: germline. Not counted in ClinVar's aggregate classification.
Comment: This sequence change creates a premature translational stop signal (p.Asp458Glufs*17) in the BRCA1 gene. It is expected to result in an absent or disrupted protein product. Loss-of-function variants in BRCA1 are known to be pathogenic (PMID: 20104584). This variant is not present in population databases (gnomAD no frequency). This premature translational stop signal has been observed in individual(s) with breast cancer, ovarian cancer and fallopian tube cancer (PMID: 15146556, 26915939, 29446198). This variant is also known as 1493delC. ClinVar contains an entry for this variant (Variation ID: 54224). For these reasons, this variant has been classified as Pathogenic.

Quest Diagnostics Nichols Institute San Juan Capistrano
Classification: Pathogenic. Last evaluated: 2025-03-26. Review status: criteria provided, single submitter. Criteria: Quest Diagnostics criteria. Collection method: clinical testing. Allele origin: unknown. Not counted in ClinVar's aggregate classification.
Comment: The BRCA1 c.1374del (p.Asp458Glufs*17) variant alters the translational reading frame of the BRCA1 mRNA and causes the premature termination of BRCA1 protein synthesis. This variant has been reported in the published literature in individuals with hereditary breast and/or ovarian cancer (PMID: 15146556 (2004), 23885733 (2013), 26915939 (2016), 33643918 (2020), 35464868 (2022)). This variant has not been reported in large, multi-ethnic general populations (Genome Aggregation Database). Based on the available information, this variant is classified as pathogenic.

National Health Laboratory Service, Universitas Academic Hospital and University of the Free State
Classification: Pathogenic for Hereditary breast ovarian cancer syndrome. Last evaluated: 2022-04-19. Review status: criteria provided, single submitter. Criteria: ACMG Guidelines, 2015. Collection method: clinical testing. Allele origin: germline. Affected: yes. Observed: 1 variant allele. Not counted in ClinVar's aggregate classification.

Women's Health and Genetics/Laboratory Corporation of America, LabCorp
Classification: Pathogenic for Hereditary breast and ovarian cancer syndrome. Last evaluated: 2020-12-18. Review status: criteria provided, single submitter. Criteria: LabCorp Variant Classification Summary - May 2015. Collection method: clinical testing. Allele origin: germline. Not counted in ClinVar's aggregate classification.
Comment: Variant summary: BRCA1 c.1374delC (p.Asp458GlufsX17) results in a premature termination codon, predicted to cause a truncation of the encoded protein or absence of the protein due to nonsense mediated decay, which are commonly known mechanisms for disease. Truncations downstream of this position have been classified as pathogenic by our laboratory. The variant was absent in 251028 control chromosomes. c.1374delC has been reported in the literature in individuals affected with Hereditary Breast And Ovarian Cancer Syndrome (example, Rebbeck_2018). These data indicate that the variant is likely to be associated with disease. Three clinical diagnostic laboratories and one expert panel (ENIGMA) have submitted clinical-significance assessments for this variant to ClinVar after 2014 without evidence for independent evaluation. All submitters classified the variant as pathogenic. Based on the evidence outlined above, the variant was classified as pathogenic.

Ambry Genetics
Classification: Pathogenic for Hereditary cancer-predisposing syndrome. Last evaluated: 2019-08-19. Review status: criteria provided, single submitter. Criteria: Ambry Variant Classification Scheme 2023. Collection method: clinical testing. Allele origin: germline. Not counted in ClinVar's aggregate classification.
Comment: The c.1374delC pathogenic mutation, located in coding exon 9 of the BRCA1 gene, results from a deletion of one nucleotide at nucleotide position 1374, causing a translational frameshift with a predicted alternate stop codon (p.D458Efs*17). This mutation (also designated as 1493delC) has been identified in multiple high-risk breast/ovarian cancer families from South Africa and has been described as a common mutation in that population (Reeves MD et al. Int. J. Cancer, 2004 Jul;110:677-82; Schoeman M et al. S. Afr. Med. J., 2013 Jun;103:529-33). In addition to the clinical data presented in the literature, this alteration is expected to result in loss of function by premature protein truncation or nonsense-mediated mRNA decay. As such, this alteration is interpreted as a disease-causing mutation.

Consortium of Investigators of Modifiers of BRCA1/2 (CIMBA), c/o University of Cambridge
Classification: Pathogenic for Breast-ovarian cancer, familial, susceptibility to, 1. Last evaluated: 2015-10-02. Review status: criteria provided, single submitter. Criteria: CIMBA Mutation Classification guidelines May 2016. Collection method: clinical testing. Allele origin: germline. Not counted in ClinVar's aggregate classification.

Literature cited by the submitters: PubMed 20104584 (cited by Labcorp Genetics (formerly Invitae), Labcorp); PubMed 15146556 (cited by 3 submitters); PubMed 26915939 (cited by Labcorp Genetics (formerly Invitae), Labcorp and Quest Diagnostics Nichols Institute San Juan Capistrano); PubMed 29446198 (cited by 3 submitters); PubMed 23885733 (cited by Quest Diagnostics Nichols Institute San Juan Capistrano and Ambry Genetics); PubMed 33643918 (cited by Quest Diagnostics Nichols Institute San Juan Capistrano); PubMed 35464868 (cited by Quest Diagnostics Nichols Institute San Juan Capistrano).

NM_007294.4(BRCA1):c.1374del (p.Asp458fs)

Gene: BRCA1 (BRCA1 DNA repair associated; minus strand). Cytogenetic location: 17q21.31.
Variant type: Deletion.
Coding change: c.1374del on transcript NM_007294.4 (MANE Select); coding-DNA position 1374, one base deleted (C; older notation c.1374delC).
Protein change: p.Asp458fs; shifts the reading frame from aspartic acid 458.
Molecular consequence: frameshift variant. On other transcripts: intron variant (137).
Genome position (GRCh38, 1-based): chr17:43,094,157, G deleted on the plus strand (C on the coding strand, the reverse complement: BRCA1 is on the minus strand). VCF-style (leftmost placement, unchanged base first): chr17-43094156-TG-T. GRCh37 (hg19) VCF-style: chr17-41246173-TG-T.
Other names: 1493delC; NP_009225.1:p.Asp458GlufsTer17; c.1161del, p.Asp387fs (NM_001407571.1, NM_001407853.1, NM_001407894.1 and 9 more transcripts); c.1374del, p.Asp458fs (NM_001407581.1, NM_001407582.1, NM_001407583.1 and 30 more transcripts); c.1371del, p.Asp457fs (NM_001407587.1, NM_001407590.1, NM_001407591.1 and 22 more transcripts); c.1365del, p.Asp455fs (NM_001407646.1, NM_001407647.1); c.1251del, p.Asp417fs (NM_001407648.1, NM_001407664.1, NM_001407665.1 and 19 more transcripts); c.1248del, p.Asp416fs (NM_001407649.1, NM_001407670.1, NM_001407671.1 and 11 more transcripts); and 42 more; short protein forms D411fs, D458fs, D290fs, D347fs, D387fs, D457fs, D390fs, D410fs.
Identifiers: ClinVar variation 54224 (VCV000054224.20), dbSNP rs397508862, ClinGen allele CA000913.